The following is an entry in ClinVar:

NM_005629.4(SLC6A8):c.-5A>G

Gene: SLC6A8 (solute carrier family 6 member 8; plus strand). Cytogenetic location: Xq28.
Variant type: single nucleotide variant.
Coding change: c.-5A>G on transcript NM_005629.4 (MANE Select); 5 bases upstream of the start codon, A replaced by G.
Molecular consequence: 5 prime UTR variant.
Genome position (GRCh38, 1-based): chrX:153,688,570, A>G. VCF-style: chrX-153688570-A-G. GRCh37 (hg19) VCF-style: chrX-152954025-A-G.
Other names: c.-5A>G (NM_001142805.2).
Identifiers: ClinVar variation 130355 (VCV000130355.36), dbSNP rs384573, ClinGen allele CA155263.

ClinVar aggregate classification (germline): Benign/Likely benign. Review status: criteria provided, multiple submitters, no conflicts (2 of 4 stars). 17 submissions from 17 submitters: Benign (10); Likely benign (2). 5 of the submissions do not count toward it. Last evaluated 2025-11-14.

Conditions:
SLC6A8-related disorder. Also called: SLC6A8-related condition.
Inborn genetic diseases. Identifiers: MedGen C0950123, MeSH D030342.
Creatine transporter deficiency (CCDS1). Also called: Creatine Transporter (CRTR) Deficiency; CREATINE TRANSPORTER DEFECT; CEREBRAL CREATINE DEFICIENCY SYNDROME 1; Mental retardation , X-linked with seizures, short stature and midface hypoplasia; Mental retardation , X-linked, with creatine transport deficiency; X-linked creatine transporter deficiency. Identifiers: Orphanet 52503, MedGen C1845862, MONDO:0010305, OMIM 300352.
Creatine deficiency syndrome 1.

Allele frequency attached by ClinVar (database versions not stated): gnomAD exomes 0.99987; 1000 Genomes Project 30x 1.00000; ExAC 1.00000; gnomAD 1.00000.

Submissions (17):

Women's Health and Genetics/Laboratory Corporation of America, LabCorp
Classification: Benign. Last evaluated: 2025-11-14. Review status: criteria provided, single submitter. Criteria: LabCorp Variant Classification Summary - May 2015. Collection method: clinical testing. Allele origin: germline.
Comment: Variant summary: SLC6A8 c.-5A>G is located in the untranslated mRNA region upstream of the initiation codon. The variant allele was found at a frequency of 1 in 46805 control chromosomes, suggesting that it is the major allele and therefore benign. The observed variant frequency exceeds the estimated maximal expected allele frequency for disease-causing variants in SLC6A8. To our knowledge, no occurrence of c.-5A>G in individuals affected with SLC6A8-related conditions and no experimental evidence demonstrating its impact on protein function have been reported. ClinVar contains an entry for this variant (Variation ID: 130355). Based on the evidence outlined above, the variant was classified as benign.

Mayo Clinic Laboratories, Mayo Clinic
Classification: Likely benign. Last evaluated: 2025-10-30. Review status: criteria provided, single submitter. Criteria: ACMG Guidelines, 2015. Collection method: clinical testing. Allele origin: germline. Observed: 850 variant alleles.

Blueprint Genetics
Classification: Likely benign. Last evaluated: 2024-11-28. Review status: criteria provided, single submitter. Criteria: ACMG Guidelines, 2015. Collection method: clinical testing. Allele origin: germline.

Unidad de Genómica Garrahan, Hospital de Pediatría Garrahan
Classification: Benign. Last evaluated: 2024-07-15. Review status: criteria provided, single submitter. Criteria: ACMG Guidelines, 2015. Collection method: clinical testing. Allele origin: germline. Affected: no. Observed: 41 variant alleles.
Comment: This variant is classified as Benign based on local population frequency. This variant was detected in 44% of patients studied in a panel designed for Epileptic and Developmental Encephalopathy and Progressive Myoclonus Epilepsy. Number of patients: 41. Only high quality variants are reported.

ARUP Laboratories, Molecular Genetics and Genomics, ARUP Laboratories
Classification: Benign for Creatine transporter deficiency. Last evaluated: 2023-11-29. Review status: criteria provided, single submitter. Criteria: ARUP Molecular Germline Variant Investigation Process 2024. Collection method: clinical testing. Allele origin: germline.

Genome-Nilou Lab
Classification: Benign for Creatine transporter deficiency. Last evaluated: 2021-07-15. Review status: criteria provided, single submitter. Criteria: ACMG Guidelines, 2015. Collection method: clinical testing. Allele origin: germline. Affected: no.

GeneDx
Classification: Benign. Last evaluated: 2019-08-23. Review status: criteria provided, single submitter. Criteria: GeneDx Variant Classification Process June 2021. Collection method: clinical testing. Allele origin: germline. Affected: yes.

Athena Diagnostics
Classification: Benign. Last evaluated: 2017-04-20. Review status: criteria provided, single submitter. Criteria: Athena Diagnostics Criteria. Collection method: clinical testing. Allele origin: germline.

Ambry Genetics
Classification: Benign for Inborn genetic diseases. Last evaluated: 2016-03-11. Review status: criteria provided, single submitter. Criteria: Ambry Variant Classification Scheme 2023. Collection method: clinical testing. Allele origin: germline.

Center for Pediatric Genomic Medicine, Children's Mercy Hospital and Clinics
Classification: Benign. Last evaluated: 2015-06-29. Review status: criteria provided, single submitter. Criteria: ACMG Guidelines, 2015. Collection method: clinical testing. Allele origin: germline.

Genetic Services Laboratory, University of Chicago
Classification: Benign for AllHighlyPenetrant. Last evaluated: 2013-01-31. Review status: criteria provided, single submitter. Criteria: ACMG Guidelines, 2007. Collection method: clinical testing. Allele origin: germline. Inheritance: X-linked inheritance.

Breakthrough Genomics
Classification: Benign. Review status: criteria provided, single submitter. Criteria: ACMG Guidelines, 2015. Collection method: not provided. Allele origin: germline. Inheritance: X-linked inheritance. Affected: yes.

Natera, Inc.
Classification: Benign for Creatine deficiency syndrome 1. Last evaluated: 2020-09-16. Review status: no assertion criteria provided. Collection method: clinical testing. Allele origin: germline. Not counted in ClinVar's aggregate classification.

PreventionGenetics, part of Exact Sciences
Classification: Benign for SLC6A8-related condition. Last evaluated: 2020-07-13. Review status: no assertion criteria provided. Collection method: clinical testing. Allele origin: germline. Not counted in ClinVar's aggregate classification.
Comment: This variant is classified as benign based on ACMG/AMP sequence variant interpretation guidelines (Richards et al. 2015 PMID: 25741868, with internal and published modifications).

Diagnostic Laboratory, Department of Genetics, University Medical Center Groningen
Classification: Benign for Creatine transporter deficiency. Review status: no assertion criteria provided. Collection method: clinical testing. Allele origin: germline. Affected: yes. Study: VKGL Data-share Consensus. Not counted in ClinVar's aggregate classification.

Genome Diagnostics Laboratory, University Medical Center Utrecht
Classification: Benign. Review status: no assertion criteria provided. Collection method: clinical testing. Allele origin: germline. Affected: yes. Study: VKGL Data-share Consensus. Not counted in ClinVar's aggregate classification.

Joint Genome Diagnostic Labs from Nijmegen and Maastricht, Radboudumc and MUMC+
Classification: Benign. Review status: no assertion criteria provided. Collection method: clinical testing. Allele origin: germline. Affected: yes. Study: VKGL Data-share Consensus. Not counted in ClinVar's aggregate classification.

Literature cited by the submitters: PubMed 28758966 (cited by Mayo Clinic Laboratories, Mayo Clinic).